The following is an entry in ClinVar:

ClinVar aggregate classification (germline): Uncertain significance. Review status: criteria provided, multiple submitters, no conflicts (2 of 4 stars). 2 submissions from 2 submitters: Uncertain significance (2). Last evaluated 2024-07-16.

Submissions (2):

Revvity Omics, Revvity
Classification: Uncertain significance. Last evaluated: 2024-07-16. Review status: criteria provided, single submitter. Criteria: ACMG Guidelines, 2015. Collection method: clinical testing. Allele origin: germline.

GeneDx
Classification: Uncertain significance. Last evaluated: 2021-04-15. Review status: criteria provided, single submitter. Criteria: GeneDx Variant Classification Process June 2021. Collection method: clinical testing. Allele origin: germline. Affected: yes.
Comment: Has not been previously published as pathogenic or benign to our knowledge; Not observed in large population cohorts (Lek et al., 2016); In silico analysis, which includes splice predictors and evolutionary conservation, suggests this variant may impact gene splicing. In the absence of RNA/functional studies, the actual effect of this sequence change is unknown.; Located in the Z-disk region of the TTN gene, which is not one of the regions known to be significantly associated with TTN-related disease

NM_001267550.2(TTN):c.2239G>A (p.Ala747Thr)

Gene: TTN (titin; minus strand). Cytogenetic location: 2q31.2.
Variant type: single nucleotide variant.
Coding change: c.2239G>A on transcript NM_001267550.2 (MANE Select); coding-DNA position 2239, G replaced by A.
Protein change: p.Ala747Thr; replaces alanine 747 with threonine.
Molecular consequence: missense variant.
Genome position (GRCh38, 1-based): chr2:178,785,979, C>T on the plus strand (G>A on the coding strand, the complement: TTN is on the minus strand). VCF-style: chr2-178785979-C-T. GRCh37 (hg19) VCF-style: chr2-179650706-C-T.
Other names: c.2239G>A, p.Ala747Thr (NM_133378.4, NM_133379.5, NM_001256850.1); c.2101G>A, p.Ala701Thr (NM_133432.3, NM_133437.4, NM_003319.4); short protein forms A701T, A747T.
Identifiers: ClinVar variation 1314892 (VCV001314892.3), dbSNP rs2154351711, ClinGen allele CA349500711.